The following is an entry in ClinVar:

ClinVar aggregate classification (germline): Uncertain significance (1 of 4 stars; one submission).

Conditions:
Leber congenital amaurosis 4 (LCA4). Identifiers: MedGen C1858386, MONDO:0011458, OMIM 604393.

Submission:

Labcorp Genetics (formerly Invitae), Labcorp
Classification: Uncertain significance for Leber congenital amaurosis 4. Last evaluated: 2022-07-19. Review status: criteria provided, single submitter. Criteria: Invitae Variant Classification Sherloc (09022015). Collection method: clinical testing. Allele origin: germline.
Comment: In summary, the available evidence is currently insufficient to determine the role of this variant in disease. Therefore, it has been classified as a Variant of Uncertain Significance. Algorithms developed to predict the effect of missense changes on protein structure and function are either unavailable or do not agree on the potential impact of this missense change (SIFT: "Tolerated"; PolyPhen-2: "Not Available"; Align-GVGD: "Class C0"). ClinVar contains an entry for this variant (Variation ID: 852446). This variant has not been reported in the literature in individuals affected with AIPL1-related conditions. This variant is not present in population databases (gnomAD no frequency). This sequence change replaces leucine, which is neutral and non-polar, with glutamine, which is neutral and polar, at codon 382 of the AIPL1 protein (p.Leu382Gln).

NM_014336.5(AIPL1):c.1145T>A (p.Leu382Gln)

Gene: AIPL1 (AIP like 1 HSP90 co-chaperone; minus strand). Cytogenetic location: 17p13.2.
Variant type: single nucleotide variant.
Coding change: c.1145T>A on transcript NM_014336.5 (MANE Select); coding-DNA position 1145, T replaced by A.
Protein change: p.Leu382Gln; replaces leucine 382 with glutamine.
Molecular consequence: missense variant. On other transcripts: 3 prime UTR variant (1).
Genome position (GRCh38, 1-based): chr17:6,425,470, A>T on the plus strand (T>A on the coding strand, the complement: AIPL1 is on the minus strand). VCF-style: chr17-6425470-A-T. GRCh37 (hg19) VCF-style: chr17-6328790-A-T.
Other names: c.956T>A, p.Leu319Gln (NM_001033054.3); c.965T>A, p.Leu322Gln (NM_001033055.3); c.1109T>A, p.Leu370Gln (NM_001285399.3); c.1079T>A, p.Leu360Gln (NM_001285400.3); c.1073T>A, p.Leu358Gln (NM_001285401.3); c.1028T>A, p.Leu343Gln (NM_001285402.2); c.*1116T>A (NM_001285403.4); short protein forms L322Q, L358Q, L382Q, L360Q, L343Q, L319Q, L370Q.
Identifiers: ClinVar variation 852446 (VCV000852446.9), dbSNP rs751647463, ClinGen allele CA397394178.
Genomic context (GRCh38, chr17:6,425,470, plus strand): 5'-GTGACCAGGCCACTTGCTCCCTGCCTGGGTGGCTGTGGGCCTCAGGGGGCTCAGTGCTGC[A>T]GCGAGTGCCCTGGGGACGGGGGTGGCTCTGTGGCTGGCTCTGCAGGGGGCCCTGCGGACA-3'
Protein context (NP_055151.3, residues 372-384): TEPPPSPGHS[Leu382Gln]QH